The following is an entry in ClinVar:

NM_021120.4(DLG3):c.1645G>A (p.Val549Met)

Gene: DLG3 (discs large MAGUK scaffold protein 3; plus strand). Cytogenetic location: Xq13.1.
Variant type: single nucleotide variant.
Coding change: c.1645G>A on transcript NM_021120.4 (MANE Select); coding-DNA position 1645, G replaced by A.
Protein change: p.Val549Met; replaces valine 549 with methionine.
Molecular consequence: missense variant.
Genome position (GRCh38, 1-based): chrX:70,492,231, G>A. VCF-style: chrX-70492231-G-A. GRCh37 (hg19) VCF-style: chrX-69712081-G-A.
Other names: c.196G>A, p.Val66Met (NM_001166278.2); c.634G>A, p.Val212Met (NM_020730.3); short protein forms V212M, V549M, V66M.
Identifiers: ClinVar variation 4685364 (VCV004685364.1).

ClinVar aggregate classification (germline): Uncertain significance (1 of 4 stars; one submission).

Submission:

GeneDx
Classification: Uncertain significance. Last evaluated: 2025-07-10. Review status: criteria provided, single submitter. Criteria: GeneDx Variant Classification Process June 2021. Collection method: clinical testing. Allele origin: germline. Affected: yes.
Comment: Not observed at significant frequency in large population cohorts (gnomAD); In silico analysis supports that this missense variant has a deleterious effect on protein structure/function; Has not been previously published as pathogenic or benign to our knowledge